The following is an entry in ClinVar:

ClinVar aggregate classification (germline): Conflicting classifications of pathogenicity. Review status: criteria provided, conflicting classifications (1 of 4 stars). 2 submissions from 2 submitters: Uncertain significance (1); Likely benign (1). Last evaluated 2026-05-18.

Conditions:
Peutz-Jeghers syndrome (PJS). Also called: POLYPOSIS, HAMARTOMATOUS INTESTINAL; POLYPS-AND-SPOTS SYNDROME; Peutz-Jeghers polyposis; Periorificial lentiginosis syndrome. Identifiers: Orphanet 2869, MedGen C0031269, MeSH D010580, MONDO:0008280, OMIM 175200.
Hereditary cancer-predisposing syndrome. Also called: Tumor predisposition; Neoplastic Syndromes, Hereditary; Hereditary Cancer Syndrome; Hereditary neoplastic syndrome. Identifiers: Orphanet 140162, MedGen C0027672, MeSH D009386, MONDO:0015356.

Submissions (2):

Ambry Genetics
Classification: Likely benign for Hereditary cancer-predisposing syndrome. Last evaluated: 2026-05-18. Review status: criteria provided, single submitter. Criteria: Ambry Variant Classification Scheme 2023. Collection method: clinical testing. Allele origin: germline.

Labcorp Genetics (formerly Invitae), Labcorp
Classification: Uncertain significance for Peutz-Jeghers syndrome. Last evaluated: 2021-09-05. Review status: criteria provided, single submitter. Criteria: Invitae Variant Classification Sherloc (09022015). Collection method: clinical testing. Allele origin: germline.
Comment: In summary, the available evidence is currently insufficient to determine the role of this variant in disease. Therefore, it has been classified as a Variant of Uncertain Significance. Advanced modeling of protein sequence and biophysical properties (such as structural, functional, and spatial information, amino acid conservation, physicochemical variation, residue mobility, and thermodynamic stability) performed at Invitae indicates that this missense variant is not expected to disrupt STK11 protein function. This variant has not been reported in the literature in individuals affected with STK11-related conditions. The frequency data for this variant in the population databases is considered unreliable, as metrics indicate insufficient coverage at this position in the ExAC database. This sequence change replaces alanine with threonine at codon 414 of the STK11 protein (p.Ala414Thr). The alanine residue is moderately conserved and there is a small physicochemical difference between alanine and threonine.

NM_000455.5(STK11):c.1240G>A (p.Ala414Thr)

Gene: STK11 (serine/threonine kinase 11; plus strand). Cytogenetic location: 19p13.3.
Variant type: single nucleotide variant.
Coding change: c.1240G>A on transcript NM_000455.5 (MANE Select); coding-DNA position 1240, G replaced by A.
Protein change: p.Ala414Thr; replaces alanine 414 with threonine.
Molecular consequence: missense variant.
Genome position (GRCh38, 1-based): chr19:1,226,585, G>A. VCF-style: chr19-1226585-G-A. GRCh37 (hg19) VCF-style: chr19-1226584-G-A.
Other names: c.1240G>A (NM_000455.4); short protein forms A414T.
Identifiers: ClinVar variation 1425808 (VCV001425808.8), dbSNP rs2080823635, ClinGen allele CA402953936.